The following is an entry in ClinVar:

NM_014000.3(VCL):c.623-83T>C

Gene: VCL (vinculin; plus strand). Cytogenetic location: 10q22.2.
Variant type: single nucleotide variant.
Coding change: c.623-83T>C on transcript NM_014000.3 (MANE Select); 83 bases into the intron before coding-DNA position 623, T replaced by C.
Molecular consequence: intron variant.
Genome position (GRCh38, 1-based): chr10:74,074,660, T>C. VCF-style: chr10-74074660-T-C. GRCh37 (hg19) VCF-style: chr10-75834418-T-C.
Other names: c.623-83T>C (NM_003373.4).
Identifiers: ClinVar variation 671497 (VCV000671497.2), dbSNP rs58026892, ClinGen allele CA209693978.
Genomic context (GRCh38, chr10:74,074,660, plus strand): 5'-GTCAAACTTGTAGTGTTTGTTTTGTATACTCATTTTAGGATCTTAAAAGCCCAAAACATC[T>C]AAAGTGTAGAACATCTTTTGTGAATATTGTTATACAACAAGATTAAATTCCAAGCTTACT-3'

ClinVar aggregate classification (germline): Benign. Review status: criteria provided, multiple submitters, no conflicts (2 of 4 stars). 2 submissions from 2 submitters: Benign (2). Last evaluated 2018-06-19.

Allele frequency attached by ClinVar (database versions not stated): TOPMed 0.07073; 1000 Genomes Project 0.07248; 1000 Genomes Project 30x 0.07776.
gnomAD v4.1: 18,179 of 1,516,166 alleles (1.2%); highest among the groups gnomAD compares: African/African-American, 22%; 1,754 homozygotes.

Submissions (2):

GeneDx
Classification: Benign. Last evaluated: 2018-06-19. Review status: criteria provided, single submitter. Criteria: GeneDx Variant Classification (06012015). Collection method: clinical testing. Allele origin: germline. Affected: yes.
Comment: This variant is considered likely benign or benign based on one or more of the following criteria: it is a conservative change, it occurs at a poorly conserved position in the protein, it is predicted to be benign by multiple in silico algorithms, and/or has population frequency not consistent with disease.

Breakthrough Genomics
Classification: Benign. Review status: criteria provided, single submitter. Criteria: ACMG Guidelines, 2015. Collection method: not provided. Allele origin: germline. Inheritance: Autosomal dominant inheritance. Affected: yes.